The following is an entry in ClinVar:

NM_145331.3(MAP3K7):c.387C>A (p.His129Gln)

Gene: MAP3K7 (mitogen-activated protein kinase kinase kinase 7; minus strand). Cytogenetic location: 6q15.
Variant type: single nucleotide variant.
Coding change: c.387C>A on transcript NM_145331.3 (MANE Select); coding-DNA position 387, C replaced by A.
Protein change: p.His129Gln; replaces histidine 129 with glutamine.
Molecular consequence: missense variant.
Genome position (GRCh38, 1-based): chr6:90,560,171, G>T on the plus strand (C>A on the coding strand, the complement: MAP3K7 is on the minus strand). VCF-style: chr6-90560171-G-T. GRCh37 (hg19) VCF-style: chr6-91269890-G-T.
Other names: c.387C>A, p.His129Gln (NM_003188.4, NM_145332.3, NM_145333.3); short protein forms H129Q.
Identifiers: ClinVar variation 1723470 (VCV001723470.3), dbSNP rs368838835, ClinGen allele CA365015462.

ClinVar aggregate classification (germline): Uncertain significance (1 of 4 stars; one submission).

Submission:

GeneDx
Classification: Uncertain significance. Last evaluated: 2025-05-15. Review status: criteria provided, single submitter. Criteria: GeneDx Variant Classification Process June 2021. Collection method: clinical testing. Allele origin: germline. Affected: yes.
Comment: Has not been previously published as pathogenic or benign to our knowledge; Not observed at significant frequency in large population cohorts (gnomAD); In silico analysis supports that this missense variant has a deleterious effect on protein structure/function